The following is an entry in ClinVar:

ClinVar aggregate classification (germline): Uncertain significance (1 of 4 stars; one submission).

Submission:

ARUP Laboratories, Molecular Genetics and Genomics, ARUP Laboratories
Classification: Uncertain significance. Last evaluated: 2025-03-14. Review status: criteria provided, single submitter. Criteria: ARUP Molecular Germline Variant Investigation Process 2024. Collection method: clinical testing. Allele origin: germline.
Comment: The PALB2 c.781C>T; p.His261Tyr variant (rs1555461626), to our knowledge, is not reported in the medical literature or gene specific databases. This variant is also absent from the Genome Aggregation Database (v2.1.1), indicating it is not a common polymorphism. Computational analyses predict that this variant is neutral (REVEL: 0.046). However, given the lack of clinical and functional data, the significance of this variant is uncertain at this time.

NM_024675.4(PALB2):c.781C>T (p.His261Tyr)

Gene: PALB2 (partner and localizer of BRCA2; minus strand). Cytogenetic location: 16p12.2.
Variant type: single nucleotide variant.
Coding change: c.781C>T on transcript NM_024675.4 (MANE Select); coding-DNA position 781, C replaced by T.
Protein change: p.His261Tyr; replaces histidine 261 with tyrosine.
Molecular consequence: missense variant. On other transcripts: 5 prime UTR variant (8), intron variant (3).
Genome position (GRCh38, 1-based): chr16:23,635,765, G>A on the plus strand (C>T on the coding strand, the complement: PALB2 is on the minus strand). VCF-style: chr16-23635765-G-A. GRCh37 (hg19) VCF-style: chr16-23647086-G-A.
Other names: c.721C>T, p.His241Tyr (NM_001407296.1); c.781C>T, p.His261Tyr (NM_001407297.1, NM_001407298.1, NM_001407299.1 and 3 more transcripts); c.-105C>T (NM_001407304.1, NM_001407305.1, NM_001407306.1 and 5 more transcripts); c.48+5345C>T (NM_001407314.1); c.-104-5296C>T (NM_001407313.1, NM_001407312.1); short protein forms H241Y, H261Y.
Identifiers: ClinVar variation 4685691 (VCV004685691.1).